The following is an entry in ClinVar:

ClinVar aggregate classification (germline): Uncertain significance (1 of 4 stars; one submission).

Submission:

Ambry Genetics
Classification: Uncertain significance. Last evaluated: 2026-01-17. Review status: criteria provided, single submitter. Criteria: Ambry Variant Classification Scheme 2023. Collection method: clinical testing. Allele origin: germline.
Comment: The p.D4N variant (also known as c.10G>A), located in coding exon 1 of the WNK2 gene, results from a G to A substitution at nucleotide position 10. The aspartic acid at codon 4 is replaced by asparagine, an amino acid with highly similar properties. This amino acid position is conserved. In addition, this alteration is predicted to be tolerated by in silico analysis. Based on the available evidence, the clinical significance of this variant remains unclear.

NM_006648.4(WNK2):c.10G>A (p.Asp4Asn)

Gene: WNK2 (WNK lysine deficient protein kinase 2; plus strand). Cytogenetic location: 9q22.31.
Variant type: single nucleotide variant.
Coding change: c.10G>A on transcript NM_006648.4 (MANE Select); coding-DNA position 10, G replaced by A.
Protein change: p.Asp4Asn; replaces aspartic acid 4 with asparagine.
Molecular consequence: missense variant.
Genome position (GRCh38, 1-based): chr9:93,184,939, G>A. VCF-style: chr9-93184939-G-A. GRCh37 (hg19) VCF-style: chr9-95947221-G-A.
Other names: c.10G>A, p.Asp4Asn (NM_001282394.3); short protein forms D4N.
Identifiers: ClinVar variation 4844850 (VCV004844850.1).